The following is an entry in ClinVar:

ClinVar aggregate classification (germline): Benign/Likely benign. Review status: criteria provided, multiple submitters, no conflicts (2 of 4 stars). 8 submissions from 6 submitters: Benign (6); Likely benign (2). Last evaluated 2026-01-27.

Conditions:
Hyperinsulinism due to INSR deficiency. Also called: Hyperinsulinism due to glutamodehydrogenase deficiency. Identifiers: Orphanet 263458, MedGen C1864952, MONDO:0012381, OMIM 609968.
Rabson-Mendenhall syndrome. Also called: Pineal Hyperplasia, Insulin-Resistant Diabetes Mellitus, and Somatic Abnormalities; MENDENHALL SYNDROME; Pineal hyperplasia AND diabetes mellitus syndrome. Identifiers: Orphanet 769, MedGen C0271695, MONDO:0009874, OMIM 262190.
Leprechaunism syndrome. Also called: LEPRECHAUNISM; Donohue syndrome. Identifiers: Orphanet 508, MedGen C0265344, MONDO:0009517, OMIM 246200.
Insulin-resistant diabetes mellitus AND acanthosis nigricans. Also called: type A insulin resistance; DIABETES MELLITUS, INSULIN-RESISTANT, WITH ACANTHOSIS NIGRICANS, TYPE A; INSULIN RECEPTOR, DEFECT IN, WITH INSULIN-RESISTANT DIABETES MELLITUS AND ACANTHOSIS NIGRICANS; IRAN, TYPE A; Insulin-resistance syndrome type A. Identifiers: Orphanet 2297, MedGen C0342278, MONDO:0012520, OMIM 610549.

Allele frequency attached by ClinVar (database versions not stated): gnomAD exomes 0.00107 and 0.00214; ExAC 0.00226; ESP Exome Variant Server 0.00507; 1000 Genomes Project 0.00539; gnomAD 0.00544 and 0.00580; 1000 Genomes Project 30x 0.00578; TOPMed 0.00609.
gnomAD v4.1: 2,478 of 1,614,130 alleles (0.15%); highest among the groups gnomAD compares: African/African-American, 1.7%; 23 homozygotes.

Submissions (8):

Labcorp Genetics (formerly Invitae), Labcorp
Classification: Benign. Last evaluated: 2026-01-27. Review status: criteria provided, single submitter. Criteria: Invitae Variant Classification Sherloc (09022015). Collection method: clinical testing. Allele origin: germline.

Blueprint Genetics
Classification: Likely benign. Last evaluated: 2024-11-28. Review status: criteria provided, single submitter. Criteria: ACMG Guidelines, 2015. Collection method: clinical testing. Allele origin: germline.

Genetic Services Laboratory, University of Chicago
Classification: Benign. Last evaluated: 2021-08-17. Review status: criteria provided, single submitter. Criteria: ACMG Guidelines, 2015. Collection method: clinical testing. Allele origin: germline. Affected: no.

Illumina Laboratory Services, Illumina
Classification: Benign for Insulin-resistant diabetes mellitus AND acanthosis nigricans. Last evaluated: 2018-01-12. Review status: criteria provided, single submitter. Criteria: ICSL Variant Classification Criteria 13 December 2019. Collection method: clinical testing. Allele origin: germline.
Comment: This variant was observed in the ICSL laboratory as part of a predisposition screen in an ostensibly healthy population. It had not been previously curated by ICSL or reported in the Human Gene Mutation Database (HGMD: prior to June 1st, 2018), and was therefore a candidate for classification through an automated scoring system. Utilizing variant allele frequency, disease prevalence and penetrance estimates, and inheritance mode, an automated score was calculated to assess if this variant is too frequent to cause the disease. Based on the score and internal cut-off values, a variant classified as benign is not then subjected to further curation. The score for this variant resulted in a classification of benign for this disease.

Illumina Laboratory Services, Illumina
Classification: Benign for Leprechaunism syndrome. Last evaluated: 2018-01-12. Review status: criteria provided, single submitter. Criteria: ICSL Variant Classification Criteria 13 December 2019. Collection method: clinical testing. Allele origin: germline.
Comment: the same text as in the submission from Illumina Laboratory Services, Illumina above.

Illumina Laboratory Services, Illumina
Classification: Benign for Rabson-Mendenhall syndrome. Last evaluated: 2018-01-12. Review status: criteria provided, single submitter. Criteria: ICSL Variant Classification Criteria 13 December 2019. Collection method: clinical testing. Allele origin: germline.
Comment: the same text as in the submission from Illumina Laboratory Services, Illumina above.

Breakthrough Genomics
Classification: Benign. Review status: criteria provided, single submitter. Criteria: ACMG Guidelines, 2015. Collection method: not provided. Allele origin: germline. Inheritance: Autosomal recessive inheritance. Affected: yes.

Clinical Genomics, Uppaluri K&H Personalized Medicine Clinic
Classification: Likely benign for Hyperinsulinism due to INSR deficiency. Review status: criteria provided, single submitter. Criteria: K And H Uppaluri Personalized Medicine Clinic Variant Classification And Assertion Criteria Updated V 2. Collection method: research. Allele origin: unknown. Inheritance: Autosomal dominant inheritance.
Comment: Potent mutations in INSR gene can lead to insulin resistance, which presents as impaired glucose tolerance, early onset type 2 diabetes, post prandial hyperglycemia and increased insulin requirement in type 1 diabetes. These mutations in INSR gene can also predispose to coronary artery disease, metabolic syndrome, polycystic ovarian disease and non alcoholic fatty liver disease.However, the role of this particular variant rs56012021 with early onset diabetes mellitus is yet to be ascertained.

Literature cited by the submitters: PubMed 35000900 (cited by Clinical Genomics, Uppaluri K&H Personalized Medicine Clinic); PubMed 31989990 (cited by Clinical Genomics, Uppaluri K&H Personalized Medicine Clinic); PubMed 23705494 (cited by Clinical Genomics, Uppaluri K&H Personalized Medicine Clinic).

NM_000208.4(INSR):c.618C>T (p.Val206=)

Gene: INSR (insulin receptor; minus strand). Cytogenetic location: 19p13.2.
Variant type: single nucleotide variant.
Coding change: c.618C>T on transcript NM_000208.4 (MANE Select); coding-DNA position 618, C replaced by T.
Protein change: p.Val206=; no amino-acid change (valine 206 retained).
Molecular consequence: synonymous variant.
Genome position (GRCh38, 1-based): chr19:7,267,379, G>A on the plus strand (C>T on the coding strand, the complement: INSR is on the minus strand). VCF-style: chr19-7267379-G-A. GRCh37 (hg19) VCF-style: chr19-7267390-G-A.
Other names: c.618C>T, p.Val206= (NM_001079817.3).
Identifiers: ClinVar variation 330478 (VCV000330478.20), dbSNP rs56012021, ClinGen allele CA9136098.